The following is an entry in ClinVar:

NM_001134407.3(GRIN2A):c.854A>C (p.Asp285Ala)

Gene: GRIN2A (glutamate ionotropic receptor NMDA type subunit 2A; minus strand). Cytogenetic location: 16p13.2.
Variant type: single nucleotide variant.
Coding change: c.854A>C on transcript NM_001134407.3 (MANE Select); coding-DNA position 854, A replaced by C.
Protein change: p.Asp285Ala; replaces aspartic acid 285 with alanine.
Molecular consequence: missense variant.
Genome position (GRCh38, 1-based): chr16:9,938,112, T>G on the plus strand (A>C on the coding strand, the complement: GRIN2A is on the minus strand). VCF-style: chr16-9938112-T-G. GRCh37 (hg19) VCF-style: chr16-10031969-T-G.
Other names: c.854A>C (NM_000833.3); c.854A>C, p.Asp285Ala (NM_000833.5, NM_001134408.2); short protein forms D285A.
Identifiers: ClinVar variation 840277 (VCV000840277.12), dbSNP rs1016685456, ClinGen allele CA278194573.

ClinVar aggregate classification (germline): Uncertain significance. Review status: criteria provided, multiple submitters, no conflicts (2 of 4 stars). 2 submissions from 2 submitters: Uncertain significance (2). Last evaluated 2026-03-02.

Conditions:
Landau-Kleffner syndrome (FESD). Also called: APHASIA, ACQUIRED, WITH EPILEPSY; EPILEPSY, FOCAL, WITH SPEECH DISORDER AND WITH OR WITHOUT MENTAL RETARDATION. Identifiers: Orphanet 1945, Orphanet 725, Orphanet 98818, MedGen C0282512, MONDO:0009509, OMIM 245570.

Allele frequency attached by ClinVar (database versions not stated): TOPMed 0.00001.
gnomAD v4.1: 1 of 1,614,074 alleles (0.000062%); highest among the groups gnomAD compares: African/African-American, 0.0013%; no homozygotes.

Submissions (2):

GeneDx
Classification: Uncertain significance. Last evaluated: 2026-03-02. Review status: criteria provided, single submitter. Criteria: GeneDx Variant Classification Process June 2021. Collection method: clinical testing. Allele origin: germline.
Comment: Not observed at significant frequency in large population cohorts (gnomAD); In silico analysis supports that this missense variant has a deleterious effect on protein structure/function; Has not been previously published as pathogenic or benign to our knowledge

Labcorp Genetics (formerly Invitae), Labcorp
Classification: Uncertain significance for Landau-Kleffner syndrome. Last evaluated: 2020-10-01. Review status: criteria provided, single submitter. Criteria: Invitae Variant Classification Sherloc (09022015). Collection method: clinical testing. Allele origin: germline.
Comment: This sequence change replaces aspartic acid with alanine at codon 285 of the GRIN2A protein (p.Asp285Ala). The aspartic acid residue is moderately conserved and there is a moderate physicochemical difference between aspartic acid and alanine. This variant is not present in population databases (ExAC no frequency). In summary, the available evidence is currently insufficient to determine the role of this variant in disease. Therefore, it has been classified as a Variant of Uncertain Significance. Algorithms developed to predict the effect of missense changes on protein structure and function (SIFT, PolyPhen-2, Align-GVGD) all suggest that this variant is likely to be tolerated, but these predictions have not been confirmed by published functional studies and their clinical significance is uncertain. This variant has not been reported in the literature in individuals with GRIN2A-related conditions.